The following is an entry in ClinVar:

NM_020877.5(DNAH2):c.4950G>A (p.Val1650=)

Gene: DNAH2 (dynein axonemal heavy chain 2; plus strand). Cytogenetic location: 17p13.1.
Variant type: single nucleotide variant.
Coding change: c.4950G>A on transcript NM_020877.5 (MANE Select); coding-DNA position 4950, G replaced by A.
Protein change: p.Val1650=; no amino-acid change (valine 1650 retained).
Molecular consequence: synonymous variant.
Genome position (GRCh38, 1-based): chr17:7,776,781, G>A. VCF-style: chr17-7776781-G-A. GRCh37 (hg19) VCF-style: chr17-7680099-G-A.
Identifiers: ClinVar variation 3050627 (VCV003050627.2), dbSNP rs137887045, ClinGen allele CA8357313.
Genomic context (GRCh38, chr17:7,776,781, plus strand): 5'-TGGGCTGTGCGTGTAGCCAAGGACAGGGCTTTGGGACGTGGCTTCTGCACATCCCCAGGT[G>A]GTGATCACTGCCAGTCAGATCCAGTGGACGGCTGATGTCACCAAGTGCCTGCTGACAGCG-3'
Protein context (NP_065928.2, residues 1640-1660): DKWVKEWAGQ[Val1650=]VITASQIQWT

ClinVar aggregate classification (germline): Benign (0 of 4 stars; one submission).

Conditions:
DNAH2-related disorder. Also called: DNAH2-related condition.

Allele frequency attached by ClinVar (database versions not stated): 1000 Genomes Project 30x 0.00062; 1000 Genomes Project 0.00080; gnomAD 0.00095; ExAC 0.00098; TOPMed 0.00099; ESP Exome Variant Server 0.00100.
gnomAD v4.1: 1,154 of 1,611,794 alleles (0.072%); highest among the groups gnomAD compares: Middle Eastern, 0.13%; 13 homozygotes.

Submission:

PreventionGenetics, part of Exact Sciences
Classification: Benign for DNAH2-related condition. Last evaluated: 2019-12-19. Review status: no assertion criteria provided. Collection method: clinical testing. Allele origin: germline.
Comment: This variant is classified as benign based on ACMG/AMP sequence variant interpretation guidelines (Richards et al. 2015 PMID: 25741868, with internal and published modifications).